The following is an entry in ClinVar:

ClinVar aggregate classification (germline): Likely benign (1 of 4 stars; one submission).

gnomAD v4.1: 3 of 1,613,796 alleles (0.00019%); highest among the groups gnomAD compares: Non-Finnish European, 0.00025%; no homozygotes.

Submission:

CeGaT Center for Human Genetics Tuebingen
Classification: Likely benign. Last evaluated: 2024-07-01. Review status: criteria provided, single submitter. Criteria: CeGaT Center For Human Genetics Tuebingen Variant Classification Criteria Version 2. Collection method: clinical testing. Allele origin: germline. Affected: yes. Observed: 1 variant allele.
Comment: GPR161: BP4, BP7

NM_001375883.1(GPR161):c.477C>T (p.Cys159=)

Gene: GPR161 (G protein-coupled receptor 161; minus strand). Cytogenetic location: 1q24.2.
Variant type: single nucleotide variant.
Coding change: c.477C>T on transcript NM_001375883.1 (MANE Select); coding-DNA position 477, C replaced by T.
Protein change: p.Cys159=; no amino-acid change (cysteine 159 retained).
Molecular consequence: synonymous variant.
Genome position (GRCh38, 1-based): chr1:168,097,130, G>A on the plus strand (C>T on the coding strand, the complement: GPR161 is on the minus strand). VCF-style: chr1-168097130-G-A. GRCh37 (hg19) VCF-style: chr1-168066368-G-A.
Other names: c.537C>T, p.Cys179= (NM_001267609.1); c.477C>T, p.Cys159= (NM_001267610.2, NM_001349632.1, NM_001349633.1 and 5 more transcripts); c.528C>T, p.Cys176= (NM_001267611.1); c.81C>T, p.Cys27= (NM_001267612.2, NM_001349635.1); c.243C>T, p.Cys81= (NM_001267613.1); c.135C>T, p.Cys45= (NM_001267614.1).
Identifiers: ClinVar variation 3257015 (VCV003257015.17).